The following is an entry in ClinVar:

NM_024529.5(CDC73):c.729+1118A>G

Gene: CDC73 (cell division cycle 73; plus strand). Cytogenetic location: 1q31.2.
Variant type: single nucleotide variant.
Coding change: c.729+1118A>G on transcript NM_024529.5 (MANE Select); 1118 bases into the intron after coding-DNA position 729, A replaced by G.
Molecular consequence: intron variant.
Genome position (GRCh38, 1-based): chr1:193,143,184, A>G. VCF-style: chr1-193143184-A-G. GRCh37 (hg19) VCF-style: chr1-193112314-A-G.
Identifiers: ClinVar variation 3829891 (VCV003829891.2).
Genomic context (GRCh38, chr1:193,143,184, plus strand): 5'-AAAGAGTATATGAAGAAAAGAATCATTTCTTTTTCTTTTGTACTTTGACTTTGTTTTACA[A>G]AGTACCTAAGGTTGAGATTAAGAATCATTCTCCAGAGCTTAGAATTATAGAGAAATCTGA-3'

ClinVar aggregate classification (germline): Uncertain significance. Review status: criteria provided, multiple submitters, no conflicts (2 of 4 stars). 2 submissions from 2 submitters: Uncertain significance (2). Last evaluated 2025-02-24.

Conditions:
Hereditary cancer-predisposing syndrome. Also called: Hereditary neoplastic syndrome; Neoplastic Syndromes, Hereditary; Tumor predisposition; Hereditary Cancer Syndrome. Identifiers: Orphanet 140162, MedGen C0027672, MeSH D009386, MONDO:0015356.
Parathyroid carcinoma (PRTC). Also called: CDC73-Related Parathyroid Carcinoma; Parathyroid gland carcinoma. Identifiers: Orphanet 143, MedGen C0687150, MONDO:0012004, OMIM 608266, HP:0006780.

Submissions (2):

Labcorp Genetics (formerly Invitae), Labcorp
Classification: Uncertain significance for Parathyroid carcinoma. Last evaluated: 2025-02-24. Review status: criteria provided, single submitter. Criteria: Invitae Variant Classification Sherloc (09022015). Collection method: clinical testing. Allele origin: germline.
Comment: This sequence change falls in intron 7 of the CDC73 gene. It does not directly change the encoded amino acid sequence of the CDC73 protein. RNA analysis indicates that this variant induces altered splicing and may result in an absent or altered protein product. This variant is not present in population databases (gnomAD no frequency). This variant has not been reported in the literature in individuals affected with CDC73-related conditions. Studies have shown that this variant results in activation of a cryptic splice site, and produces a non-functional protein and/or introduces a premature termination codon (internal data). In summary, the available evidence is currently insufficient to determine the role of this variant in disease. Therefore, it has been classified as a Variant of Uncertain Significance.

Ambry Genetics
Classification: Uncertain significance for Hereditary cancer-predisposing syndrome. Last evaluated: 2024-12-26. Review status: criteria provided, single submitter. Criteria: Ambry Variant Classification Scheme 2023. Collection method: clinical testing. Allele origin: germline.
Comment: The c.729+1118A>G intronic variant results from an A to G substitution 1118 nucleotides after coding exon 7 in the CDC73 gene. This nucleotide position is well conserved in available vertebrate species. In silico splice site analysis predicts that this alteration will result in the creation or strengthening of a novel splice acceptor site; however, direct evidence is insufficient at this time (Ambry internal data). Based on the available evidence, the clinical significance of this variant remains unclear.